The following is an entry in ClinVar:

NM_020975.6(RET):c.3308C>T (p.Pro1103Leu)

Gene: RET (ret proto-oncogene; plus strand). Cytogenetic location: 10q11.21.
Variant type: single nucleotide variant.
Coding change: c.3308C>T on transcript NM_020975.6 (MANE Select); coding-DNA position 3308, C replaced by T.
Protein change: p.Pro1103Leu; replaces proline 1103 with leucine.
Molecular consequence: missense variant.
Genome position (GRCh38, 1-based): chr10:43,128,232, C>T. VCF-style: chr10-43128232-C-T. GRCh37 (hg19) VCF-style: chr10-43623680-C-T.
Other names: c.3308C>T, p.Pro1103Leu (NM_000323.2, NM_001406743.1); c.*1478C>T (NM_001355216.2, NM_001406764.1, NM_001406765.1 and 15 more transcripts); c.3248C>T, p.Pro1083Leu (NM_001406759.1, NM_001406760.1); c.3179C>T, p.Pro1060Leu (NM_001406761.1, NM_001406762.1); c.3173C>T, p.Pro1058Leu (NM_001406763.1); c.3020C>T, p.Pro1007Leu (NM_001406766.1, NM_001406767.1); c.2912C>T, p.Pro971Leu (NM_001406769.1); c.2870C>T, p.Pro957Leu (NM_001406771.1); and 7 more; short protein forms P1058L, P841L, P861L, P1103L, P600L, P708L, P761L, P804L.
Identifiers: ClinVar variation 1730035 (VCV001730035.4), dbSNP rs1838377632, ClinGen allele CA376559250.

ClinVar aggregate classification (germline): Uncertain significance. Review status: criteria provided, multiple submitters, no conflicts (2 of 4 stars). 2 submissions from 2 submitters: Uncertain significance (2). Last evaluated 2025-05-29.

Conditions:
Hereditary cancer-predisposing syndrome. Also called: Neoplastic Syndromes, Hereditary; Tumor predisposition; Hereditary Cancer Syndrome; Hereditary neoplastic syndrome. Identifiers: Orphanet 140162, MedGen C0027672, MeSH D009386, MONDO:0015356.
Multiple endocrine neoplasia, type 2 (MEN2). Identifiers: Orphanet 653, MedGen C4048306, MONDO:0019003. Disease mechanism: gain of function.

Allele frequency attached by ClinVar (database versions not stated): TOPMed below 0.00001; gnomAD 0.00001.

Submissions (2):

Ambry Genetics
Classification: Uncertain significance for Hereditary cancer-predisposing syndrome. Last evaluated: 2025-05-29. Review status: criteria provided, single submitter. Criteria: Ambry Variant Classification Scheme 2023. Collection method: clinical testing. Allele origin: germline.
Comment: The p.P1103L variant (also known as c.3308C>T), located in coding exon 20 of the RET gene, results from a C to T substitution at nucleotide position 3308. The proline at codon 1103 is replaced by leucine, an amino acid with similar properties. This amino acid position is conserved. In addition, the in silico prediction for this alteration is inconclusive. Since supporting evidence is limited at this time, the clinical significance of this alteration remains unclear.

All of Us Research Program, National Institutes of Health
Classification: Uncertain significance for Multiple endocrine neoplasia, type 2. Last evaluated: 2024-05-09. Review status: criteria provided, single submitter. Criteria: ACMG Guidelines, 2015. Collection method: clinical testing. Allele origin: germline. Inheritance: Autosomal dominant inheritance. Observed: 1 variant allele, 1 heterozygote.
Comment: This study involves interpretation of variants in research participants for the purpose of population health screening. Participant phenotype was not available at the time of variant classification. Additional details can be found in publication PMID: 35346344, PMCID: PMC8962531